The following is an entry in ClinVar:

ClinVar aggregate classification (germline): Benign (1 of 4 stars; one submission).

Allele frequency attached by ClinVar (database versions not stated): TOPMed 0.00032; gnomAD 0.00052; 1000 Genomes Project 30x 0.00208; 1000 Genomes Project 0.00238.

Submission:

CeGaT Center for Human Genetics Tuebingen
Classification: Benign. Last evaluated: 2026-03-01. Review status: criteria provided, single submitter. Criteria: CeGaT Center For Human Genetics Tuebingen Variant Classification Criteria Version 2. Collection method: clinical testing. Allele origin: germline. Affected: yes. Observed: 6 variant alleles.
Comment: COX7B: BS1, BS2

NC_000023.11:g.77910198C>G

Gene: COX7B (cytochrome c oxidase subunit 7B; plus strand). Cytogenetic location: Xq21.1.
Variant type: single nucleotide variant.
Genome position: GRCh38 VCF-style: chrX-77910198-C-G. GRCh37 (hg19) VCF-style: chrX-77165695-C-G.
Identifiers: ClinVar variation 2660960 (VCV002660960.24), dbSNP rs186881649, ClinGen allele CA331581434.